The following is an entry in ClinVar:

ClinVar aggregate classification (germline): Likely benign. Review status: criteria provided, single submitter (1 of 4 stars). 2 submissions from 2 submitters: Likely benign (1). 1 of the submissions does not count toward it. Last evaluated 2023-11-15.

Conditions:
COL9A3-related disorder. Also called: COL9A3-related condition.

Allele frequency attached by ClinVar (database versions not stated): TOPMed 0.00002; gnomAD exomes 0.00006 and 0.00008; ExAC 0.00008; ESP Exome Variant Server 0.00008; 1000 Genomes Project 0.00040; 1000 Genomes Project 30x 0.00047.
gnomAD v4.1: 121 of 1,558,800 alleles (0.0078%); highest among the groups gnomAD compares: Non-Finnish European, 0.0093%; no homozygotes.

Submissions (2):

GeneDx
Classification: Likely benign. Last evaluated: 2023-11-15. Review status: criteria provided, single submitter. Criteria: GeneDx Variant Classification Process June 2021. Collection method: clinical testing. Allele origin: germline. Affected: yes.
Comment: See Variant Classification Assertion Criteria.

PreventionGenetics, part of Exact Sciences
Classification: Likely benign for COL9A3-related condition. Last evaluated: 2022-04-28. Review status: no assertion criteria provided. Collection method: clinical testing. Allele origin: germline. Not counted in ClinVar's aggregate classification.
Comment: This variant is classified as likely benign based on ACMG/AMP sequence variant interpretation guidelines (Richards et al. 2015 PMID: 25741868, with internal and published modifications).

NM_001853.4(COL9A3):c.*8C>T

Gene: COL9A3 (collagen type IX alpha 3 chain; plus strand). Cytogenetic location: 20q13.33.
Variant type: single nucleotide variant.
Coding change: c.*8C>T on transcript NM_001853.4 (MANE Select); 8 bases downstream of the stop codon, C replaced by T.
Molecular consequence: 3 prime UTR variant.
Genome position (GRCh38, 1-based): chr20:62,840,740, C>T. VCF-style: chr20-62840740-C-T. GRCh37 (hg19) VCF-style: chr20-61472092-C-T.
Other names: c.*8C>T (NM_001853.3).
Identifiers: ClinVar variation 1188483 (VCV001188483.6), dbSNP rs201654774, ClinGen allele CA9950301.